The following is an entry in ClinVar:

ClinVar aggregate classification (germline): Uncertain significance. Review status: criteria provided, multiple submitters, no conflicts (2 of 4 stars). 2 submissions from 2 submitters: Uncertain significance (2). Last evaluated 2022-12-02.

Conditions:
Inborn genetic diseases. Identifiers: MedGen C0950123, MeSH D030342.

Allele frequency attached by ClinVar (database versions not stated): gnomAD exomes below 0.00001.
gnomAD v4.1: 4 of 1,613,454 alleles (0.00025%); highest among the groups gnomAD compares: Non-Finnish European, 0.000085%; no homozygotes.

Submissions (2):

Ambry Genetics
Classification: Uncertain significance for Inborn genetic diseases. Last evaluated: 2022-12-02. Review status: criteria provided, single submitter. Criteria: Ambry Variant Classification Scheme 2023. Collection method: clinical testing. Allele origin: germline.

Labcorp Genetics (formerly Invitae), Labcorp
Classification: Uncertain significance. Last evaluated: 2022-08-05. Review status: criteria provided, single submitter. Criteria: Invitae Variant Classification Sherloc (09022015). Collection method: clinical testing. Allele origin: germline.
Comment: In summary, the available evidence is currently insufficient to determine the role of this variant in disease. Therefore, it has been classified as a Variant of Uncertain Significance. Algorithms developed to predict the effect of missense changes on protein structure and function are either unavailable or do not agree on the potential impact of this missense change (SIFT: "Tolerated"; PolyPhen-2: "Possibly Damaging"; Align-GVGD: "Class C0"). This variant has not been reported in the literature in individuals affected with PGAP3-related conditions. This variant is not present in population databases (gnomAD no frequency). This sequence change replaces glycine, which is neutral and non-polar, with aspartic acid, which is acidic and polar, at codon 84 of the PGAP3 protein (p.Gly84Asp).

NM_033419.5(PGAP3):c.251G>A (p.Gly84Asp)

Gene: PGAP3 (post-GPI attachment to proteins phospholipase 3; minus strand). Cytogenetic location: 17q12.
Variant type: single nucleotide variant.
Coding change: c.251G>A on transcript NM_033419.5 (MANE Select); coding-DNA position 251, G replaced by A.
Protein change: p.Gly84Asp; replaces glycine 84 with aspartic acid.
Molecular consequence: missense variant.
Genome position (GRCh38, 1-based): chr17:39,685,950, C>T on the plus strand (G>A on the coding strand, the complement: PGAP3 is on the minus strand). VCF-style: chr17-39685950-C-T. GRCh37 (hg19) VCF-style: chr17-37842203-C-T.
Other names: c.251G>A, p.Gly84Asp (NM_001291726.2, NM_001291728.2, NM_001291730.2 and 2 more transcripts); short protein forms G84D.
Identifiers: ClinVar variation 1900884 (VCV001900884.6), dbSNP rs1597827947, ClinGen allele CA399261136.